The following is an entry in ClinVar:

ClinVar aggregate classification (germline): Uncertain significance (1 of 4 stars; one submission).

Conditions:
Primary ciliary dyskinesia. Also called: Ciliary dyskinesia. Identifiers: Orphanet 244, MedGen C0008780, MONDO:0016575, HP:0012265.

Allele frequency attached by ClinVar (database versions not stated): gnomAD exomes below 0.00001; ExAC 0.00001; TOPMed 0.00001.
gnomAD v4.1: 1 of 1,614,040 alleles (0.000062%); highest among the groups gnomAD compares: African/African-American, 0.0013%; no homozygotes.

Submission:

Labcorp Genetics (formerly Invitae), Labcorp
Classification: Uncertain significance for Primary ciliary dyskinesia. Last evaluated: 2022-03-04. Review status: criteria provided, single submitter. Criteria: Invitae Variant Classification Sherloc (09022015). Collection method: clinical testing. Allele origin: germline.
Comment: This sequence change replaces aspartic acid, which is acidic and polar, with glycine, which is neutral and non-polar, at codon 3569 of the DNAH5 protein (p.Asp3569Gly). This variant is present in population databases (rs772964691, gnomAD 0.007%). This variant has not been reported in the literature in individuals affected with DNAH5-related conditions. Algorithms developed to predict the effect of missense changes on protein structure and function are either unavailable or do not agree on the potential impact of this missense change (SIFT: "Deleterious"; PolyPhen-2: "Possibly Damaging"; Align-GVGD: "Class C0"). In summary, the available evidence is currently insufficient to determine the role of this variant in disease. Therefore, it has been classified as a Variant of Uncertain Significance.

NM_001369.3(DNAH5):c.10706A>G (p.Asp3569Gly)

Gene: DNAH5 (dynein axonemal heavy chain 5; minus strand). Cytogenetic location: 5p15.2.
Variant type: single nucleotide variant.
Coding change: c.10706A>G on transcript NM_001369.3 (MANE Select); coding-DNA position 10706, A replaced by G.
Protein change: p.Asp3569Gly; replaces aspartic acid 3569 with glycine.
Molecular consequence: missense variant.
Genome position (GRCh38, 1-based): chr5:13,753,399, T>C on the plus strand (A>G on the coding strand, the complement: DNAH5 is on the minus strand). VCF-style: chr5-13753399-T-C. GRCh37 (hg19) VCF-style: chr5-13753508-T-C.
Other names: short protein forms D3569G.
Identifiers: ClinVar variation 2163061 (VCV002163061.4), dbSNP rs772964691, ClinGen allele CA3202153.